The following is an entry in ClinVar:

NM_024640.4(YRDC):c.324C>A (p.Arg108=)

Genes: C1orf122 (chromosome 1 open reading frame 122; plus strand), YRDC (yrdC N6-threonylcarbamoyltransferase domain containing; minus strand). Cytogenetic location: 1p34.3.
Variant type: single nucleotide variant.
Coding change: c.324C>A on transcript NM_024640.4 (MANE Select); coding-DNA position 324, C replaced by A.
Protein change: p.Arg108=; no amino-acid change (arginine 108 retained).
Molecular consequence: synonymous variant. On other transcripts: 5 prime UTR variant (2).
Genome position (GRCh38, 1-based): chr1:37,807,857, G>T on the plus strand (C>A on the coding strand, the complement: YRDC is on the minus strand). VCF-style: chr1-37807857-G-T. GRCh37 (hg19) VCF-style: chr1-38273529-G-T.
Other names: c.-604G>T (NM_001142726.2); c.-548G>T (NM_198446.3).
Identifiers: ClinVar variation 3046551 (VCV003046551.2), dbSNP rs2524522801, ClinGen allele CA417268370.

ClinVar aggregate classification (germline): Likely benign (0 of 4 stars; one submission).

Conditions:
YRDC-related disorder. Also called: YRDC-related condition.

Submission:

PreventionGenetics, part of Exact Sciences
Classification: Likely benign for YRDC-related condition. Last evaluated: 2023-02-17. Review status: no assertion criteria provided. Collection method: clinical testing. Allele origin: germline.
Comment: This variant is classified as likely benign based on ACMG/AMP sequence variant interpretation guidelines (Richards et al. 2015 PMID: 25741868, with internal and published modifications).